The following is an entry in ClinVar:

NM_004360.5(CDH1):c.2375T>A (p.Met792Lys)

Gene: CDH1 (cadherin 1; plus strand). Cytogenetic location: 16q22.1.
Variant type: single nucleotide variant.
Coding change: c.2375T>A on transcript NM_004360.5 (MANE Select); coding-DNA position 2375, T replaced by A.
Protein change: p.Met792Lys; replaces methionine 792 with lysine.
Molecular consequence: missense variant.
Genome position (GRCh38, 1-based): chr16:68,829,733, T>A. VCF-style: chr16-68829733-T-A. GRCh37 (hg19) VCF-style: chr16-68863636-T-A.
Other names: c.2192T>A, p.Met731Lys (NM_001317184.2); c.827T>A, p.Met276Lys (NM_001317185.2); c.410T>A, p.Met137Lys (NM_001317186.2); short protein forms M137K, M276K, M792K, M731K.
Identifiers: ClinVar variation 3488659 (VCV003488659.1).

ClinVar aggregate classification (germline): Uncertain significance (1 of 4 stars; one submission).

Conditions:
Hereditary cancer-predisposing syndrome. Also called: Tumor predisposition; Neoplastic Syndromes, Hereditary; Hereditary Cancer Syndrome; Hereditary neoplastic syndrome. Identifiers: Orphanet 140162, MedGen C0027672, MeSH D009386, MONDO:0015356.

Submission:

Ambry Genetics
Classification: Uncertain significance for Hereditary cancer-predisposing syndrome. Last evaluated: 2024-10-11. Review status: criteria provided, single submitter. Criteria: Ambry Variant Classification Scheme 2023. Collection method: clinical testing. Allele origin: germline.
Comment: The p.M792K variant (also known as c.2375T>A), located in coding exon 15 of the CDH1 gene, results from a T to A substitution at nucleotide position 2375. The methionine at codon 792 is replaced by lysine, an amino acid with similar properties. This amino acid position is conserved. In addition, this alteration is predicted to be tolerated by in silico analysis. Based on the available evidence, the clinical significance of this variant remains unclear.